The following is an entry in ClinVar:

ClinVar aggregate classification (germline): Uncertain significance. Review status: criteria provided, multiple submitters, no conflicts (2 of 4 stars). 3 submissions from 3 submitters: Uncertain significance (3). Last evaluated 2025-06-10.

Conditions:
Inborn genetic diseases. Identifiers: MedGen C0950123, MeSH D030342.

Allele frequency attached by ClinVar (database versions not stated): TOPMed 0.00018; gnomAD 0.00012.
gnomAD v4.1: 35 of 1,455,536 alleles (0.0024%); highest among the groups gnomAD compares: African/African-American, 0.046%; no homozygotes.

Submissions (3):

GeneDx
Classification: Uncertain significance. Last evaluated: 2025-06-10. Review status: criteria provided, single submitter. Criteria: GeneDx Variant Classification Process June 2021. Collection method: clinical testing. Allele origin: germline. Affected: yes.
Comment: In silico analysis suggests that this missense variant does not alter protein structure/function; Has not been previously published as pathogenic or benign to our knowledge

Ambry Genetics
Classification: Uncertain significance for Inborn genetic diseases. Last evaluated: 2025-03-15. Review status: criteria provided, single submitter. Criteria: Ambry Variant Classification Scheme 2023. Collection method: clinical testing. Allele origin: germline.

Labcorp Genetics (formerly Invitae), Labcorp
Classification: Uncertain significance. Last evaluated: 2022-05-17. Review status: criteria provided, single submitter. Criteria: Invitae Variant Classification Sherloc (09022015). Collection method: clinical testing. Allele origin: germline.
Comment: This sequence change replaces alanine, which is neutral and non-polar, with threonine, which is neutral and polar, at codon 15 of the ISCU protein (p.Ala15Thr). The frequency data for this variant in the population databases is considered unreliable, as metrics indicate poor data quality at this position in the gnomAD database. This variant has not been reported in the literature in individuals affected with ISCU-related conditions. Algorithms developed to predict the effect of missense changes on protein structure and function are either unavailable or do not agree on the potential impact of this missense change (SIFT: "Tolerated"; PolyPhen-2: "Not Available"; Align-GVGD: "Class C0"). In summary, the available evidence is currently insufficient to determine the role of this variant in disease. Therefore, it has been classified as a Variant of Uncertain Significance.

NM_213595.4(ISCU):c.43G>A (p.Ala15Thr)

Gene: ISCU (iron-sulfur cluster assembly enzyme; plus strand). Cytogenetic location: 12q23.3.
Variant type: single nucleotide variant.
Coding change: c.43G>A on transcript NM_213595.4 (MANE Select); coding-DNA position 43, G replaced by A.
Protein change: p.Ala15Thr; replaces alanine 15 with threonine.
Molecular consequence: missense variant. On other transcripts: 5 prime UTR variant (1), non-coding transcript variant (1).
Genome position (GRCh38, 1-based): chr12:108,562,665, G>A. VCF-style: chr12-108562665-G-A. GRCh37 (hg19) VCF-style: chr12-108956441-G-A.
Other names: c.43G>A (NM_213595.2); c.43G>A, p.Ala15Thr (NM_001301140.1, NM_001301141.1, NM_001320042.1); c.-129G>A (NM_014301.4); short protein forms A15T.
Identifiers: ClinVar variation 2344077 (VCV002344077.7), dbSNP rs752455827, ClinGen allele CA6768707.